The following is an entry in ClinVar:

ClinVar aggregate classification (germline): Conflicting classifications of pathogenicity. Review status: criteria provided, conflicting classifications (1 of 4 stars). 5 submissions from 5 submitters: Uncertain significance (4); Likely benign (1). Last evaluated 2025-12-28.

Conditions:
Hereditary cancer-predisposing syndrome. Also called: Hereditary neoplastic syndrome; Neoplastic Syndromes, Hereditary; Tumor predisposition; Hereditary Cancer Syndrome. Identifiers: Orphanet 140162, MedGen C0027672, MeSH D009386, MONDO:0015356.
Fanconi anemia complementation group J. Also called: BRIP1-Related Fanconi Anemia. Identifiers: Orphanet 84, MedGen C1836860, MONDO:0012187, OMIM 609054.
Familial cancer of breast. Also called: BREAST CANCER, FAMILIAL; hereditary breast carcinoma; Hereditary breast cancer. Identifiers: Orphanet 227535, MedGen C0346153, MONDO:0016419, OMIM 114480. Disease mechanism: loss of function.

Allele frequency attached by ClinVar (database versions not stated): gnomAD exomes 0.00001; ExAC 0.00002; TOPMed 0.00002; gnomAD 0.00003; ESP Exome Variant Server 0.00008.
gnomAD v4.1: 14 of 1,613,850 alleles (0.00087%); highest among the groups gnomAD compares: Non-Finnish European, 0.00017%; no homozygotes.

Submissions (5):

Labcorp Genetics (formerly Invitae), Labcorp
Classification: Uncertain significance for Familial cancer of breast; Fanconi anemia complementation group J. Last evaluated: 2025-12-28. Review status: criteria provided, single submitter. Criteria: Invitae Variant Classification Sherloc (09022015). Collection method: clinical testing. Allele origin: germline.
Comment: This sequence change replaces valine, which is neutral and non-polar, with isoleucine, which is neutral and non-polar, at codon 864 of the BRIP1 protein (p.Val864Ile). This variant is present in population databases (rs149529390, gnomAD 0.03%). This variant has not been reported in the literature in individuals affected with BRIP1-related conditions. ClinVar contains an entry for this variant (Variation ID: 461119). Invitae Evidence Modeling of protein sequence and biophysical properties (such as structural, functional, and spatial information, amino acid conservation, physicochemical variation, residue mobility, and thermodynamic stability) indicates that this missense variant is not expected to disrupt BRIP1 protein function with a negative predictive value of 95%. In summary, the available evidence is currently insufficient to determine the role of this variant in disease. Therefore, it has been classified as a Variant of Uncertain Significance.

Color Diagnostics, LLC DBA Color Health
Classification: Uncertain significance for Hereditary cancer-predisposing syndrome. Last evaluated: 2024-03-06. Review status: criteria provided, single submitter. Criteria: ACMG Guidelines, 2015. Collection method: clinical testing. Allele origin: germline.
Comment: This missense variant replaces valine with isoleucine at codon 864 of the BRIP1 protein. Computational prediction suggests that this variant may not impact protein structure and function (internally defined REVEL score threshold <= 0.5, PMID: 27666373). To our knowledge, functional studies have not been reported for this variant. This variant has not been reported in individuals affected with hereditary cancer in the literature. This variant has been identified in 3/250254 chromosomes in the general population by the Genome Aggregation Database (gnomAD). The available evidence is insufficient to determine the role of this variant in disease conclusively. Therefore, this variant is classified as a Variant of Uncertain Significance.

Sema4
Classification: Uncertain significance for Hereditary cancer-predisposing syndrome. Last evaluated: 2021-09-15. Review status: criteria provided, single submitter. Criteria: Sema4 Curation Guidelines. Collection method: curation. Allele origin: germline.
Comment: The BRIP1 c.2590G>A (p.V864I) variant has not been reported in literature to our knowledge. This variant was observed in 2/10068 chromosomes in the Ashkenazi Jewish population according to the Genome Aggregation Database (PMID: 32461654). This variant has been reported in ClinVar (Variation ID 461119). Functional studies have not been performed, and in silico predictions of the variant's effect on protein function are inconclusive. The overall evidence is insufficient to meet ACMG/AMP criteria for classifying it as benign or pathogenic. In summary, the clinical significance of this variant is currently uncertain.

Ambry Genetics
Classification: Likely benign for Hereditary cancer-predisposing syndrome. Last evaluated: 2018-05-04. Review status: criteria provided, single submitter. Criteria: Ambry Variant Classification Scheme 2023. Collection method: clinical testing. Allele origin: germline.

PreventionGenetics, part of Exact Sciences
Classification: Uncertain significance. Last evaluated: 2017-02-14. Review status: criteria provided, single submitter. Criteria: ACMG Guidelines, 2015. Collection method: clinical testing. Allele origin: germline.

NM_032043.3(BRIP1):c.2590G>A (p.Val864Ile)

Gene: BRIP1 (BRCA1 interacting DNA helicase 1; minus strand). Cytogenetic location: 17q23.2.
Variant type: single nucleotide variant.
Coding change: c.2590G>A on transcript NM_032043.3 (MANE Select); coding-DNA position 2590, G replaced by A.
Protein change: p.Val864Ile; replaces valine 864 with isoleucine.
Molecular consequence: missense variant.
Genome position (GRCh38, 1-based): chr17:61,686,151, C>T on the plus strand (G>A on the coding strand, the complement: BRIP1 is on the minus strand). VCF-style: chr17-61686151-C-T. GRCh37 (hg19) VCF-style: chr17-59763512-C-T.
Other names: short protein forms V864I.
Identifiers: ClinVar variation 461119 (VCV000461119.20), dbSNP rs149529390, ClinGen allele CA8690474.